The following is an entry in ClinVar:

NM_152268.4(PARS2):c.872A>G (p.Asn291Ser)

Gene: PARS2 (prolyl-tRNA synthetase 2, mitochondrial; minus strand). Cytogenetic location: 1p32.3.
Variant type: single nucleotide variant.
Coding change: c.872A>G on transcript NM_152268.4 (MANE Select); coding-DNA position 872, A replaced by G.
Protein change: p.Asn291Ser; replaces asparagine 291 with serine.
Molecular consequence: missense variant.
Genome position (GRCh38, 1-based): chr1:54,758,290, T>C on the plus strand (A>G on the coding strand, the complement: PARS2 is on the minus strand). VCF-style: chr1-54758290-T-C. GRCh37 (hg19) VCF-style: chr1-55223963-T-C.
Other names: short protein forms N291S.
Identifiers: ClinVar variation 1806505 (VCV001806505.5), dbSNP rs2524474502, ClinGen allele CA340461261.
Genomic context (GRCh38, chr1:54,758,290, plus strand): 5'-AATGTGTGCCCCACCTCAATGCCTTTGGTTTTAGTCAATGGGCCCTGGCAAGCAGGGCAG[T>C]TCATTTGTGACAAGTCTAGTGTCTCCATGTTGGCTGAGAAGCTGCAGCGGGGACAGATGG-3'
Protein context (NP_689481.2, residues 281-301): NMETLDLSQM[Asn291Ser]CPACQGPLTK

ClinVar aggregate classification (germline): Uncertain significance. Review status: criteria provided, multiple submitters, no conflicts (2 of 4 stars). 2 submissions from 2 submitters: Uncertain significance (2). Last evaluated 2022-06-20.

Allele frequency attached by ClinVar (database versions not stated): gnomAD exomes below 0.00001.
gnomAD v4.1: 3 of 1,614,186 alleles (0.00019%); highest among the groups gnomAD compares: East Asian, 0.0022%; no homozygotes.

Submissions (2):

GeneDx
Classification: Uncertain significance. Last evaluated: 2022-06-20. Review status: criteria provided, single submitter. Criteria: GeneDx Variant Classification Process June 2021. Collection method: clinical testing. Allele origin: germline. Affected: yes.
Comment: Not observed at significant frequency in large population cohorts (gnomAD); In silico analysis supports that this missense variant does not alter protein structure/function; Has not been previously published as pathogenic or benign to our knowledge

Labcorp Genetics (formerly Invitae), Labcorp
Classification: Uncertain significance. Last evaluated: 2022-02-14. Review status: criteria provided, single submitter. Criteria: Invitae Variant Classification Sherloc (09022015). Collection method: clinical testing. Allele origin: germline.
Comment: This variant has not been reported in the literature in individuals affected with PARS2-related conditions. This variant is not present in population databases (gnomAD no frequency). This sequence change replaces asparagine, which is neutral and polar, with serine, which is neutral and polar, at codon 291 of the PARS2 protein (p.Asn291Ser). Algorithms developed to predict the effect of missense changes on protein structure and function output the following: SIFT: "Tolerated"; PolyPhen-2: "Benign"; Align-GVGD: "Class C0". The serine amino acid residue is found in multiple mammalian species, which suggests that this missense change does not adversely affect protein function. In summary, the available evidence is currently insufficient to determine the role of this variant in disease. Therefore, it has been classified as a Variant of Uncertain Significance.